The following is an entry in ClinVar:

NM_147127.5(EVC2):c.2540_2549del (p.Glu847fs)

Gene: EVC2 (EvC ciliary complex subunit 2; minus strand). Cytogenetic location: 4p16.2.
Variant type: Deletion.
Coding change: c.2540_2549del on transcript NM_147127.5 (MANE Select); coding-DNA positions 2540 to 2549, 10 bases deleted (AGCTGCTCAG; older notation c.2540_2549delAGCTGCTCAG).
Protein change: p.Glu847fs; shifts the reading frame from glutamic acid 847.
Molecular consequence: frameshift variant.
Genome position (GRCh38, 1-based): chr4:5,618,635-5,618,644, CTGAGCAGCT deleted on the plus strand (AGCTGCTCAG on the coding strand, the reverse complement: EVC2 is on the minus strand); deleting any 10 consecutive bases within chr4:5,618,635-5,618,645 gives the same sequence; the c. name uses the placement nearest the transcript's 3' end. VCF-style (leftmost placement, unchanged base first): chr4-5618634-CCTGAGCAGCT-C. GRCh37 (hg19) VCF-style: chr4-5620361-CCTGAGCAGCT-C.
Other names: c.2300_2309del, p.Glu767fs (NM_001166136.2); short protein forms E847fs, E767fs.
Identifiers: ClinVar variation 2948277 (VCV002948277.3), dbSNP rs2475361154, ClinGen allele CA2740091126.

ClinVar aggregate classification (germline): Pathogenic (1 of 4 stars; one submission).

Conditions:
Curry-Hall syndrome (WAD). Also called: WEYERS ACRODENTAL DYSOSTOSIS. Identifiers: Orphanet 952, MedGen C0457013, MONDO:0008673, OMIM 193530.
Ellis-van Creveld syndrome (EVC). Also called: EVC-Related Ellis-van Creveld Syndrome; EVC2-Related Ellis-van Creveld Syndrome; MESOECTODERMAL DYSPLASIA; Chondroectodermal dysplasia. Identifiers: Orphanet 289, MedGen C0013903, MONDO:0009162, OMIM 225500.

Submission:

Labcorp Genetics (formerly Invitae), Labcorp
Classification: Pathogenic for Curry-Hall syndrome; Ellis-van Creveld syndrome. Last evaluated: 2023-05-27. Review status: criteria provided, single submitter. Criteria: Invitae Variant Classification Sherloc (09022015). Collection method: clinical testing. Allele origin: germline.
Comment: This sequence change creates a premature translational stop signal (p.Glu847Glyfs*2) in the EVC2 gene. It is expected to result in an absent or disrupted protein product. Loss-of-function variants in EVC2 are known to be pathogenic (PMID: 17024374, 19810119, 19876929). This variant is not present in population databases (gnomAD no frequency). For these reasons, this variant has been classified as Pathogenic. This variant has not been reported in the literature in individuals affected with EVC2-related conditions.

Literature cited by the submitters: PubMed 17024374; PubMed 19810119; PubMed 19876929.